The following is an entry in ClinVar:

ClinVar aggregate classification (germline): Uncertain significance (1 of 4 stars; one submission).

Conditions:
ZFHX2-related disorder. Also called: ZFHX2-related condition.

gnomAD v4.1: 1 of 1,530,068 alleles (0.000065%); highest among the groups gnomAD compares: Non-Finnish European, 0.000087%; no homozygotes.

Submission:

PreventionGenetics, part of Exact Sciences
Classification: Uncertain significance for ZFHX2-related condition. Last evaluated: 2025-05-23. Review status: criteria provided, single submitter. Criteria: ACMG Guidelines, 2015. Collection method: clinical testing. Allele origin: germline.
Comment: The ZFHX2 c.5453T>C variant is predicted to result in the amino acid substitution p.Leu1818Pro. To our knowledge, this variant has not been reported in the literature or in a large population database (gnomAD), indicating this variant is rare. At this time, the clinical significance of this variant is uncertain due to the absence of conclusive functional and genetic evidence.

NM_033400.3(ZFHX2):c.5453T>C (p.Leu1818Pro)

Genes: THTPA (thiamine triphosphatase; plus strand), ZFHX2 (zinc finger homeobox 2; minus strand). Cytogenetic location: 14q11.2.
Variant type: single nucleotide variant.
Coding change: c.5453T>C on transcript NM_033400.3 (MANE Select); coding-DNA position 5453, T replaced by C.
Protein change: p.Leu1818Pro; replaces leucine 1818 with proline.
Molecular consequence: missense variant.
Genome position (GRCh38, 1-based): chr14:23,524,489, A>G on the plus strand (T>C on the coding strand, the complement: ZFHX2 is on the minus strand). VCF-style: chr14-23524489-A-G. GRCh37 (hg19) VCF-style: chr14-23993698-A-G.
Other names: short protein forms L1818P.
Identifiers: ClinVar variation 5000917 (VCV005000917.1).